The following is an entry in ClinVar:

NC_000023.11:g.(?_31819965)_(31879410_?)del

Genes: DMD (dystrophin; minus strand), LOC129391296 (MPRA-validated peak7373 silencer; plus strand). Cytogenetic location: Xp21.1.
Variant type: Deletion.
Identifiers: ClinVar variation 649052 (VCV000649052.2).

ClinVar aggregate classification (germline): Pathogenic (1 of 4 stars; one submission).

Conditions:
Duchenne muscular dystrophy (DMD). Also called: MUSCULAR DYSTROPHY, PSEUDOHYPERTROPHIC PROGRESSIVE, DUCHENNE TYPE; Duchenne Muscular Dystrophy (DMD). Identifiers: Orphanet 98896, MedGen C0013264, MONDO:0010679, OMIM 310200.

Submission:

Labcorp Genetics (formerly Invitae), Labcorp
Classification: Pathogenic for Duchenne muscular dystrophy. Last evaluated: 2019-12-02. Review status: criteria provided, single submitter. Criteria: Invitae Variant Classification Sherloc (09022015). Collection method: clinical testing. Allele origin: germline.
Comment: This variant is an out-of-frame deletion of the genomic region encompassing exons 48-50 of the DMD gene. This creates a premature translational stop signal and is expected to result in an absent or disrupted protein product. This deletion has been reported in many individuals affected with Duchenne muscular dystrophy (PMID: 10392746, 9800909, 16917894). Loss-of-function variants in DMD are known to be pathogenic (PMID: 16770791, 25007885). For these reasons, this variant has been classified as Pathogenic.

Literature cited by the submitters: PubMed 9800909; PubMed 16917894; PubMed 10392746.